The following is an entry in ClinVar:

ClinVar aggregate classification (germline): Uncertain significance (1 of 4 stars; one submission).

Conditions:
RYR1-related disorder. Also called: RYR1-related condition; RYR1-related disorders. Identifiers: MedGen CN239331.

Submission:

Labcorp Genetics (formerly Invitae), Labcorp
Classification: Uncertain significance for RYR1-related disorder. Last evaluated: 2025-05-05. Review status: criteria provided, single submitter. Criteria: Invitae Variant Classification Sherloc (09022015). Collection method: clinical testing. Allele origin: germline.
Comment: This sequence change replaces arginine, which is basic and polar, with serine, which is neutral and polar, at codon 1655 of the RYR1 protein (p.Arg1655Ser). This variant is not present in population databases (gnomAD no frequency). This variant has not been reported in the literature in individuals affected with RYR1-related conditions. ClinVar contains an entry for this variant (Variation ID: 2765673). Invitae Evidence Modeling of protein sequence and biophysical properties (such as structural, functional, and spatial information, amino acid conservation, physicochemical variation, residue mobility, and thermodynamic stability) indicates that this missense variant is not expected to disrupt RYR1 protein function with a negative predictive value of 80%. In summary, the available evidence is currently insufficient to determine the role of this variant in disease. Therefore, it has been classified as a Variant of Uncertain Significance.

NM_000540.3(RYR1):c.4963C>A (p.Arg1655Ser)

Gene: RYR1 (ryanodine receptor 1; plus strand). Cytogenetic location: 19q13.2.
Variant type: single nucleotide variant.
Coding change: c.4963C>A on transcript NM_000540.3 (MANE Select); coding-DNA position 4963, C replaced by A.
Protein change: p.Arg1655Ser; replaces arginine 1655 with serine.
Molecular consequence: missense variant.
Genome position (GRCh38, 1-based): chr19:38,485,618, C>A. VCF-style: chr19-38485618-C-A. GRCh37 (hg19) VCF-style: chr19-38976258-C-A.
Other names: c.4963C>A, p.Arg1655Ser (NM_001042723.2); short protein forms R1655S.
Identifiers: ClinVar variation 2765673 (VCV002765673.3), dbSNP rs371777056, ClinGen allele CA405652648.